The following is an entry in ClinVar:

ClinVar aggregate classification (germline): Uncertain significance (1 of 4 stars; one submission).

Submission:

GeneDx
Classification: Uncertain significance. Last evaluated: 2022-12-28. Review status: criteria provided, single submitter. Criteria: GeneDx Variant Classification Process June 2021. Collection method: clinical testing. Allele origin: germline. Affected: yes.
Comment: Not observed at significant frequency in large population cohorts (gnomAD); In silico analysis supports a deleterious effect on splicing; Has not been previously reported as pathogenic or benign to our knowledge

NM_001009944.3(PKD1):c.11270-10T>G

Genes: PKD1-AS1 (PKD1 antisense RNA 1; plus strand), PKD1 (polycystin 1, transient receptor potential channel interacting; minus strand). Cytogenetic location: 16p13.3.
Variant type: single nucleotide variant.
Coding change: c.11270-10T>G on transcript NM_001009944.3 (MANE Select); 10 bases into the intron before coding-DNA position 11270, T replaced by G.
Molecular consequence: intron variant.
Genome position (GRCh38, 1-based): chr16:2,092,198, A>C on the plus strand (T>G on the coding strand, the complement: PKD1 is on the minus strand). VCF-style: chr16-2092198-A-C. GRCh37 (hg19) VCF-style: chr16-2142199-A-C.
Other names: c.11267-10T>G (NM_000296.4).
Identifiers: ClinVar variation 2507185 (VCV002507185.1), dbSNP rs1567154300, ClinGen allele CA2580613372.
Genomic context (GRCh38, chr16:2,092,198, plus strand): 5'-CTGCGGCCGAGCACGTGTGGACCCTGGGGCCGGGAGGGTCTGGGTAGAGTGCTGAAACAC[A>C]CAGAGCCCCAGGCCGGGGCCAGGGCCTCATCAAAACCCAACAGGAGTGTTTCCTGCTGGC-3'